The following is an entry in ClinVar:

NM_000548.5(TSC2):c.2944G>T (p.Val982Leu)

Gene: TSC2 (TSC complex subunit 2; plus strand). Cytogenetic location: 16p13.3.
Variant type: single nucleotide variant.
Coding change: c.2944G>T on transcript NM_000548.5 (MANE Select); coding-DNA position 2944, G replaced by T.
Protein change: p.Val982Leu; replaces valine 982 with leucine.
Molecular consequence: missense variant. On other transcripts: intron variant (9).
Genome position (GRCh38, 1-based): chr16:2,077,704, G>T. VCF-style: chr16-2077704-G-T. GRCh37 (hg19) VCF-style: chr16-2127705-G-T.
Other names: c.2944G>T, p.Val982Leu (NM_001114382.3); c.2837+1119G>T (NM_021055.3, NM_001370405.1, NM_001363528.2 and 2 more transcripts); c.2726+1119G>T (NM_001318827.2); c.2237+1119G>T (NM_001318831.2); c.2690+1119G>T (NM_001318829.2); c.2870+1119G>T (NM_001318832.2); short protein forms V982L.
Identifiers: ClinVar variation 845950 (VCV000845950.12), dbSNP rs773864188, ClinGen allele CA042926.
Genomic context (GRCh38, chr16:2,077,704, plus strand): 5'-CCCGTGAAAGAATTCAAGGAGAGCTCTGCAGCCGAGGCCTTCCGGTGCCGCAGCATCAGT[G>T]TGTCTGAACATGTGGTCCGCAGGTAGCGGGACTGTCGGGTGGGGGGCACGGACCCTGGAG-3'
Protein context (NP_000539.2, residues 972-992): AEAFRCRSIS[Val982Leu]SEHVVRSRIQ

ClinVar aggregate classification (germline): Conflicting classifications of pathogenicity. Review status: criteria provided, conflicting classifications (1 of 4 stars). 4 submissions from 4 submitters: Uncertain significance (3); Benign (1). Last evaluated 2025-10-19.

Conditions:
Tuberous sclerosis syndrome (TSC). Also called: Tuberous Sclerosis Complex; Tuberous sclerosis. Identifiers: Orphanet 805, MedGen C0041341, MONDO:0001734.
Tuberous sclerosis 2 (TSC2). Identifiers: Orphanet 805, MedGen C1860707, MONDO:0013199, OMIM 613254.
Hereditary cancer-predisposing syndrome. Also called: Neoplastic Syndromes, Hereditary; Hereditary neoplastic syndrome; Tumor predisposition; Hereditary Cancer Syndrome. Identifiers: Orphanet 140162, MedGen C0027672, MeSH D009386, MONDO:0015356.

Allele frequency attached by ClinVar (database versions not stated): ExAC 0.00001; gnomAD exomes 0.00001.
gnomAD v4.1: 3 of 1,612,982 alleles (0.00019%); highest among the groups gnomAD compares: Admixed American, 0.0033%; no homozygotes.

Submissions (4):

Labcorp Genetics (formerly Invitae), Labcorp
Classification: Benign for Tuberous sclerosis 2. Last evaluated: 2025-10-19. Review status: criteria provided, single submitter. Criteria: Invitae Variant Classification Sherloc (09022015). Collection method: clinical testing. Allele origin: germline.

Ambry Genetics
Classification: Uncertain significance for Hereditary cancer-predisposing syndrome. Last evaluated: 2024-05-26. Review status: criteria provided, single submitter. Criteria: Ambry Variant Classification Scheme 2023. Collection method: clinical testing. Allele origin: germline.
Comment: The p.V982L variant (also known as c.2944G>T), located in coding exon 25 of the TSC2 gene, results from a G to T substitution at nucleotide position 2944. The valine at codon 982 is replaced by leucine, an amino acid with highly similar properties. This amino acid position is conserved. In addition, the in silico prediction for this alteration is inconclusive. Based on the available evidence, the clinical significance of this variant remains unclear.

Quest Diagnostics Nichols Institute San Juan Capistrano
Classification: Uncertain significance. Last evaluated: 2023-12-26. Review status: criteria provided, single submitter. Criteria: Quest Diagnostics criteria. Collection method: clinical testing. Allele origin: unknown.

All of Us Research Program, National Institutes of Health
Classification: Uncertain significance for Tuberous sclerosis syndrome. Last evaluated: 2023-12-01. Review status: criteria provided, single submitter. Criteria: ACMG Guidelines, 2015. Collection method: clinical testing. Allele origin: germline. Inheritance: Autosomal dominant inheritance. Observed: 3 variant alleles, 3 heterozygotes.
Comment: This missense variant replaces valine with leucine at codon 982 of the TSC2 protein. Computational prediction suggests that this variant may not impact protein structure and function (internally defined REVEL score threshold <= 0.5, PMID: 27666373). To our knowledge, functional studies have not been reported for this variant. This variant has not been reported in individuals affected with TSC2-related disorders in the literature. This variant has been identified in 2/250558 chromosomes in the general population by the Genome Aggregation Database (gnomAD). The available evidence is insufficient to determine the role of this variant in disease conclusively. Therefore, this variant is classified as a Variant of Uncertain Significance.

This study involves interpretation of variants in research participants for the purpose of population health screening. Participant phenotype was not available at the time of variant classification. Additional details can be found in publication PMID: 35346344, PMCID: PMC8962531